The following is an entry in ClinVar:

ClinVar aggregate classification (germline): Uncertain significance. Review status: criteria provided, multiple submitters, no conflicts (2 of 4 stars). 2 submissions from 2 submitters: Uncertain significance (2). Last evaluated 2024-11-11.

Allele frequency attached by ClinVar (database versions not stated): ExAC 0.00001; gnomAD exomes 0.00001; TOPMed 0.00001; gnomAD 0.00003.
gnomAD v4.1: 7 of 1,613,850 alleles (0.00043%); highest among the groups gnomAD compares: Admixed American, 0.005%; no homozygotes.

Submissions (2):

Labcorp Genetics (formerly Invitae), Labcorp
Classification: Uncertain significance. Last evaluated: 2024-11-11. Review status: criteria provided, single submitter. Criteria: Invitae Variant Classification Sherloc (09022015). Collection method: clinical testing. Allele origin: germline.
Comment: This sequence change replaces asparagine, which is neutral and polar, with aspartic acid, which is acidic and polar, at codon 342 of the CDH23 protein (p.Asn342Asp). This variant is present in population databases (rs767875585, gnomAD 0.01%). This variant has not been reported in the literature in individuals affected with CDH23-related conditions. ClinVar contains an entry for this variant (Variation ID: 1693461). Invitae Evidence Modeling of protein sequence and biophysical properties (such as structural, functional, and spatial information, amino acid conservation, physicochemical variation, residue mobility, and thermodynamic stability) has been performed for this missense variant. However, the output from this modeling did not meet the statistical confidence thresholds required to predict the impact of this variant on CDH23 protein function. In summary, the available evidence is currently insufficient to determine the role of this variant in disease. Therefore, it has been classified as a Variant of Uncertain Significance.

GeneDx
Classification: Uncertain significance. Last evaluated: 2023-07-26. Review status: criteria provided, single submitter. Criteria: GeneDx Variant Classification Process June 2021. Collection method: clinical testing. Allele origin: germline. Affected: yes.
Comment: In silico analysis supports that this missense variant does not alter protein structure/function; Has not been previously published as pathogenic or benign to our knowledge

NM_022124.6(CDH23):c.1024A>G (p.Asn342Asp)

Gene: CDH23 (cadherin related 23; plus strand). Cytogenetic location: 10q22.1.
Variant type: single nucleotide variant.
Coding change: c.1024A>G on transcript NM_022124.6 (MANE Select); coding-DNA position 1024, A replaced by G.
Protein change: p.Asn342Asp; replaces asparagine 342 with aspartic acid.
Molecular consequence: missense variant.
Genome position (GRCh38, 1-based): chr10:71,617,283, A>G. VCF-style: chr10-71617283-A-G. GRCh37 (hg19) VCF-style: chr10-73377040-A-G.
Other names: c.1024A>G, p.Asn342Asp (NM_001171930.2, NM_001171931.2, NM_001171932.2 and 1 more transcripts); short protein forms N342D.
Identifiers: ClinVar variation 1693461 (VCV001693461.7), dbSNP rs767875585, ClinGen allele CA5543623.
Genomic context (GRCh38, chr10:71,617,283, plus strand): 5'-GACCGCACCCCATCTGACGCTACAGTCACCACGACCTTCAATATCCTGGTTATTGACATC[A>G]ATGACAATGCCCCGGAGTTCAACAGCTCCGAGTACAGCGTGGCCATCACTGAGCTGGCAC-3'
Protein context (NP_071407.4, residues 332-352): TTFNILVIDI[Asn342Asp]DNAPEFNSSE